The following is an entry in ClinVar:

NM_001048174.2(MUTYH):c.859G>C (p.Glu287Gln)

Gene: MUTYH (mutY DNA glycosylase; minus strand). Cytogenetic location: 1p34.1.
Variant type: single nucleotide variant.
Coding change: c.859G>C on transcript NM_001048174.2 (MANE Select); coding-DNA position 859, G replaced by C.
Protein change: p.Glu287Gln; replaces glutamic acid 287 with glutamine.
Molecular consequence: missense variant. On other transcripts: non-coding transcript variant (7).
Genome position (GRCh38, 1-based): chr1:45,332,077, C>G on the plus strand (G>C on the coding strand, the complement: MUTYH is on the minus strand). VCF-style: chr1-45332077-C-G. GRCh37 (hg19) VCF-style: chr1-45797749-C-G.
Other names: c.859G>C, p.Glu287Gln (NM_001048171.2, NM_001048173.2, NM_001293195.2 and 6 more transcripts); c.862G>C, p.Glu288Gln (NM_001048172.2, NM_001407071.1, NM_001407078.1 and 1 more transcripts); c.943G>C, p.Glu315Gln (NM_001128425.2); c.904G>C, p.Glu302Gln (NM_001293190.2); c.892G>C, p.Glu298Gln (NM_001293191.2, NM_001407069.1, NM_001407077.1); c.583G>C, p.Glu195Gln (NM_001293192.2, NM_001293196.2, NM_001407091.1); c.514G>C, p.Glu172Gln (NM_001350650.2, NM_001350651.2, NM_001407082.1); c.775G>C, p.Glu259Gln (NM_001407075.1); and 5 more; short protein forms E259Q, E274Q, E287Q, E294Q, E301Q, E315Q, E273Q, E288Q.
Identifiers: ClinVar variation 4113929 (VCV004113929.1).
Genomic context (GRCh38, chr1:45,332,077, plus strand): 5'-GCTCACCACACTCCTCCACGTCAGGACTGCCCGACAGGCTCCCTGAGGCTAAGAGCTGTT[C>G]CTGCTCCACCTGAGAGGCACAGGGTTGAGTGTCATAGGGCAGAGTCACTCCTTAGGACTT-3'
Protein context (NP_001041639.1, residues 277-297): LCRARQRVEQ[Glu287Gln]QLLASGSLSG

ClinVar aggregate classification (germline): Uncertain significance (1 of 4 stars; one submission).

Conditions:
Hereditary cancer-predisposing syndrome. Also called: Hereditary neoplastic syndrome; Neoplastic Syndromes, Hereditary; Tumor predisposition; Hereditary Cancer Syndrome. Identifiers: Orphanet 140162, MedGen C0027672, MeSH D009386, MONDO:0015356.

Submission:

Ambry Genetics
Classification: Uncertain significance for Hereditary cancer-predisposing syndrome. Last evaluated: 2025-08-27. Review status: criteria provided, single submitter. Criteria: Ambry Variant Classification Scheme 2023. Collection method: clinical testing. Allele origin: germline.
Comment: The p.E315Q variant (also known as c.943G>C), located in coding exon 11 of the MUTYH gene, results from a G to C substitution at nucleotide position 943. The glutamic acid at codon 315 is replaced by glutamine, an amino acid with highly similar properties. This amino acid position is conserved. In addition, this alteration is predicted to be tolerated by in silico analysis. Based on the available evidence, the clinical significance of this variant remains unclear.